The following is an entry in ClinVar:

ClinVar aggregate classification (germline): Uncertain significance. Review status: criteria provided, multiple submitters, no conflicts (2 of 4 stars). 3 submissions from 3 submitters: Uncertain significance (3). Last evaluated 2025-09-27.

Conditions:
Inborn genetic diseases. Identifiers: MedGen C0950123, MeSH D030342.
Developmental delay with autism spectrum disorder and gait instability (MRT38). Also called: Intellectual developmental disorder, autosomal recessive 38. Identifiers: Orphanet 329195, MedGen C3809753, MONDO:0014224, OMIM 615516.

Allele frequency attached by ClinVar (database versions not stated): ExAC 0.00004; gnomAD 0.00004 and 0.00003; TOPMed 0.00006; ESP Exome Variant Server 0.00015.
gnomAD v4.1: 18 of 1,546,684 alleles (0.0012%); highest among the groups gnomAD compares: African/African-American, 0.011%; no homozygotes.

Submissions (3):

Ambry Genetics
Classification: Uncertain significance for Inborn genetic diseases. Last evaluated: 2025-09-27. Review status: criteria provided, single submitter. Criteria: Ambry Variant Classification Scheme 2023. Collection method: clinical testing. Allele origin: germline.

GeneDx
Classification: Uncertain significance. Last evaluated: 2023-11-01. Review status: criteria provided, single submitter. Criteria: GeneDx Variant Classification Process June 2021. Collection method: clinical testing. Allele origin: germline. Affected: yes.
Comment: In silico analysis supports that this missense variant does not alter protein structure/function; Has not been previously published as pathogenic or benign to our knowledge

Baylor Genetics
Classification: Uncertain significance for Developmental delay with autism spectrum disorder and gait instability. Last evaluated: 2018-07-13. Review status: criteria provided, single submitter. Criteria: ACMG Guidelines, 2015. Collection method: clinical testing. Allele origin: maternal. Affected: yes.
Comment: This variant was determined to be of uncertain significance according to ACMG Guidelines, 2015 [PMID:25741868].

NM_004667.6(HERC2):c.13034C>T (p.Ala4345Val)

Gene: HERC2 (HECT and RLD domain containing E3 ubiquitin protein ligase 2; minus strand). Cytogenetic location: 15q13.1.
Variant type: single nucleotide variant.
Coding change: c.13034C>T on transcript NM_004667.6 (MANE Select); coding-DNA position 13034, C replaced by T.
Protein change: p.Ala4345Val; replaces alanine 4345 with valine.
Molecular consequence: missense variant.
Genome position (GRCh38, 1-based): chr15:28,124,191, G>A on the plus strand (C>T on the coding strand, the complement: HERC2 is on the minus strand). VCF-style: chr15-28124191-G-A. GRCh37 (hg19) VCF-style: chr15-28369337-G-A.
Other names: c.13034C>T (NM_004667.4); short protein forms A4345V.
Identifiers: ClinVar variation 1031457 (VCV001031457.3), dbSNP rs150956191, ClinGen allele CA7440143.